The following is an entry in ClinVar:

ClinVar aggregate classification (germline): other (0 of 4 stars; one submission).

Conditions:
Malignant tumor of urinary bladder. Also called: Urinary bladder cancer; Urinary Bladder Neoplasms; Bladder cancer. Identifiers: MedGen C0005684, MONDO:0001187, OMIM 109800.

Allele frequency attached by ClinVar (database versions not stated): gnomAD exomes 0.00010; gnomAD 0.00083 and 0.00092; TOPMed 0.00090; 1000 Genomes Project 30x 0.00109; 1000 Genomes Project 0.00120.
gnomAD v4.1: 235 of 1,103,402 alleles (0.021%); highest among the groups gnomAD compares: African/African-American, 0.31%; no homozygotes.

Submission:

Gray Institute for Radiation Oncology & Biology, University of Oxford
Classification: other. Review status: no assertion criteria provided. Collection method: not provided. Allele origin: germline.
Comment: Detected by next-generation sequencing & confirmed by Sanger sequencing

NM_005591.4(MRE11):c.314+99A>G

Gene: MRE11 (MRE11 double strand break repair nuclease; minus strand). Cytogenetic location: 11q21.
Variant type: single nucleotide variant.
Coding change: c.314+99A>G on transcript NM_005591.4 (MANE Select); 99 bases into the intron after coding-DNA position 314, A replaced by G.
Molecular consequence: intron variant.
Genome position (GRCh38, 1-based): chr11:94,485,825, T>C on the plus strand (A>G on the coding strand, the complement: MRE11 is on the minus strand). VCF-style: chr11-94485825-T-C. GRCh37 (hg19) VCF-style: chr11-94218991-T-C.
Other names: c.314+99A>G (NM_001330347.2, NM_005590.4).
Identifiers: ClinVar variation 60659 (VCV000060659.1), dbSNP rs143677623, ClinGen allele CA144600.